The following is an entry in ClinVar:

NM_005413.4(SIX3):c.226G>A (p.Glu76Lys)

Gene: SIX3 (SIX homeobox 3; plus strand). Cytogenetic location: 2p21.
Variant type: single nucleotide variant.
Coding change: c.226G>A on transcript NM_005413.4 (MANE Select); coding-DNA position 226, G replaced by A.
Protein change: p.Glu76Lys; replaces glutamic acid 76 with lysine.
Molecular consequence: missense variant.
Genome position (GRCh38, 1-based): chr2:44,942,330, G>A. VCF-style: chr2-44942330-G-A. GRCh37 (hg19) VCF-style: chr2-45169469-G-A.
Other names: c.226G>A (NM_005413.3); short protein forms E76K.
Identifiers: ClinVar variation 3648404 (VCV003648404.3).

ClinVar aggregate classification (germline): Uncertain significance. Review status: criteria provided, multiple submitters, no conflicts (2 of 4 stars). 2 submissions from 2 submitters: Uncertain significance (2). Last evaluated 2026-07-13.

Conditions:
Holoprosencephaly 2 (HPE2). Identifiers: Orphanet 2162, MedGen C1834877, MONDO:0007999, OMIM 157170.
Inborn genetic diseases. Identifiers: MedGen C0950123, MeSH D030342.

Submissions (2):

Ambry Genetics
Classification: Uncertain significance for Inborn genetic diseases. Last evaluated: 2026-07-13. Review status: criteria provided, single submitter. Criteria: Ambry Variant Classification Scheme 2023. Collection method: clinical testing. Allele origin: germline.

Labcorp Genetics (formerly Invitae), Labcorp
Classification: Uncertain significance for Holoprosencephaly 2. Last evaluated: 2024-04-02. Review status: criteria provided, single submitter. Criteria: Invitae Variant Classification Sherloc (09022015). Collection method: clinical testing. Allele origin: germline.
Comment: This sequence change replaces glutamic acid, which is acidic and polar, with lysine, which is basic and polar, at codon 76 of the SIX3 protein (p.Glu76Lys). This variant is not present in population databases (gnomAD no frequency). This variant has not been reported in the literature in individuals affected with SIX3-related conditions. Advanced modeling of protein sequence and biophysical properties (such as structural, functional, and spatial information, amino acid conservation, physicochemical variation, residue mobility, and thermodynamic stability) performed at Invitae indicates that this missense variant is not expected to disrupt SIX3 protein function with a negative predictive value of 80%. In summary, the available evidence is currently insufficient to determine the role of this variant in disease. Therefore, it has been classified as a Variant of Uncertain Significance.